The following is an entry in ClinVar:

NM_145207.3(AFG2A):c.2648A>G (p.Asp883Gly)

Gene: AFG2A (AAA ATPase AFG2A; plus strand). Cytogenetic location: 4q28.1.
Variant type: single nucleotide variant.
Coding change: c.2648A>G on transcript NM_145207.3 (MANE Select); coding-DNA position 2648, A replaced by G.
Protein change: p.Asp883Gly; replaces aspartic acid 883 with glycine.
Molecular consequence: missense variant.
Genome position (GRCh38, 1-based): chr4:123,314,030, A>G. VCF-style: chr4-123314030-A-G. GRCh37 (hg19) VCF-style: chr4-124235185-A-G.
Other names: c.2645A>G, p.Asp882Gly (NM_001345856.2); short protein forms D882G, D883G.
Identifiers: ClinVar variation 659578 (VCV000659578.5), dbSNP rs780388261, ClinGen allele CA358228964.

ClinVar aggregate classification (germline): Uncertain significance (1 of 4 stars; one submission).

Conditions:
Microcephaly-intellectual disability-sensorineural hearing loss-epilepsy-abnormal muscle tone syndrome (NEDHSB). Also called: NEURODEVELOPMENTAL DISORDER WITH HEARING LOSS, SEIZURES, AND BRAIN ABNORMALITIES. Identifiers: Orphanet 457351, MedGen C4225276, MONDO:0014698, OMIM 616577.

Submission:

Labcorp Genetics (formerly Invitae), Labcorp
Classification: Uncertain significance for Microcephaly-intellectual disability-sensorineural hearing loss-epilepsy-abnormal muscle tone syndrome. Last evaluated: 2022-06-07. Review status: criteria provided, single submitter. Criteria: Invitae Variant Classification Sherloc (09022015). Collection method: clinical testing. Allele origin: germline.
Comment: This variant has not been reported in the literature in individuals affected with SPATA5-related conditions. This variant is not present in population databases (gnomAD no frequency). This sequence change replaces aspartic acid, which is acidic and polar, with glycine, which is neutral and non-polar, at codon 883 of the SPATA5 protein (p.Asp883Gly). ClinVar contains an entry for this variant (Variation ID: 659578). In summary, the available evidence is currently insufficient to determine the role of this variant in disease. Therefore, it has been classified as a Variant of Uncertain Significance. Algorithms developed to predict the effect of sequence changes on RNA splicing suggest that this variant may create or strengthen a splice site. Advanced modeling of protein sequence and biophysical properties (such as structural, functional, and spatial information, amino acid conservation, physicochemical variation, residue mobility, and thermodynamic stability) performed at Invitae indicates that this missense variant is not expected to disrupt SPATA5 protein function.